The following is an entry in ClinVar:

ClinVar aggregate classification (germline): Likely pathogenic (1 of 4 stars; one submission).

Conditions:
Hereditary spastic paraplegia 15 (SPG15). Also called: SPASTIC PARAPLEGIA 15, AUTOSOMAL RECESSIVE; KJELLIN SYNDROME; SPASTIC PARAPLEGIA AND RETINAL DEGENERATION. Identifiers: Orphanet 100996, MedGen C1849128, MONDO:0010044, OMIM 270700.

Submission:

Myriad Genetics, Inc.
Classification: Likely pathogenic for Hereditary spastic paraplegia 15. Last evaluated: 2021-12-17. Review status: criteria provided, single submitter. Criteria: Myriad Women's Health Autosomal Recessive and X-Linked Classification Criteria (2021). Collection method: clinical testing. Allele origin: unknown.
Comment: NM_015346.3(ZFYVE26):c.2006_2007delAA(K669Tfs*4) is expected to be pathogenic in the context of spastic paraplegia type 15. This variant is predicted to lead to an abnormal or absent protein product due to the creation of a premature termination codon in ZFYVE26, a gene where loss-of-function variants are known to be pathogenic. Please note: this variant was assessed in the context of healthy population screening.

NM_015346.4(ZFYVE26):c.2006_2007del (p.Lys669fs)

Gene: ZFYVE26 (zinc finger FYVE-type containing 26; minus strand). Cytogenetic location: 14q24.1.
Variant type: Deletion.
Coding change: c.2006_2007del on transcript NM_015346.4 (MANE Select); coding-DNA positions 2006 to 2007, 2 bases deleted (AA; older notation c.2006_2007delAA).
Protein change: p.Lys669fs; shifts the reading frame from lysine 669.
Molecular consequence: frameshift variant.
Genome position (GRCh38, 1-based): chr14:67,798,255-67,798,256, TT deleted on the plus strand (AA on the coding strand, the reverse complement: ZFYVE26 is on the minus strand); deleting any 2 consecutive bases within chr14:67,798,255-67,798,258 gives the same sequence; the c. name uses the placement nearest the transcript's 3' end. VCF-style (leftmost placement, unchanged base first): chr14-67798254-GTT-G. GRCh37 (hg19) VCF-style: chr14-68264971-GTT-G.
Other names: short protein forms K669fs.
Identifiers: ClinVar variation 1726415 (VCV001726415.2), dbSNP rs2502856813, ClinGen allele CA2580088612.
Genomic context (GRCh38, chr14:67,798,254, plus strand): 5'-TGAGGAAGGCCCCTATTGCAAATTCATCAGCCAGAAATCCACTGATACCACTAGTAAAGT[GTT>G]TTAAGTCCAAAAAGCTGTGCCTATGAGGCCCTGGGTAACTGTCTTTTGGCTCTGCCTTCA-3'